The following is an entry in ClinVar:

NM_012082.4(ZFPM2):c.1655A>G (p.Glu552Gly)

Genes: ZFPM2 (zinc finger protein, FOG family member 2; plus strand), ZFPM2-AS1 (ZFPM2 antisense RNA 1; minus strand). Cytogenetic location: 8q23.1.
Variant type: single nucleotide variant.
Coding change: c.1655A>G on transcript NM_012082.4 (MANE Select); coding-DNA position 1655, A replaced by G.
Protein change: p.Glu552Gly; replaces glutamic acid 552 with glycine.
Molecular consequence: missense variant.
Genome position (GRCh38, 1-based): chr8:105,801,737, A>G. VCF-style: chr8-105801737-A-G. GRCh37 (hg19) VCF-style: chr8-106813965-A-G.
Other names: c.1496A>G, p.Glu499Gly (NM_001362836.2); c.1259A>G, p.Glu420Gly (NM_001362837.2); short protein forms E420G, E499G, E552G.
Identifiers: ClinVar variation 2443659 (VCV002443659.1), dbSNP rs1814025259, ClinGen allele CA371951608.

ClinVar aggregate classification (germline): Uncertain significance (1 of 4 stars; one submission).

Allele frequency attached by ClinVar (database versions not stated): TOPMed below 0.00001.

Submission:

GeneDx
Classification: Uncertain significance. Last evaluated: 2022-09-12. Review status: criteria provided, single submitter. Criteria: GeneDx Variant Classification Process June 2021. Collection method: clinical testing. Allele origin: germline. Affected: yes.
Comment: Not observed at significant frequency in large population cohorts (gnomAD); In silico analysis supports that this missense variant has a deleterious effect on protein structure/function; Has not been previously published as pathogenic or benign to our knowledge